The following is an entry in ClinVar:

NM_003640.5(ELP1):c.2825del (p.Arg942fs)

Gene: ELP1 (elongator acetyltransferase complex subunit 1; minus strand). Cytogenetic location: 9q31.3.
Variant type: Deletion.
Coding change: c.2825del on transcript NM_003640.5 (MANE Select); coding-DNA position 2825, one base deleted (G; older notation c.2825delG).
Protein change: p.Arg942fs; shifts the reading frame from arginine 942.
Molecular consequence: frameshift variant.
Genome position (GRCh38, 1-based): chr9:108,893,978, C deleted on the plus strand (G on the coding strand, the reverse complement: ELP1 is on the minus strand). VCF-style (leftmost placement, unchanged base first): chr9-108893977-TC-T. GRCh37 (hg19) VCF-style: chr9-111656257-TC-T.
Other names: c.2483del, p.Arg828fs (NM_001318360.2); c.1778del, p.Arg593fs (NM_001330749.2); short protein forms R593fs, R828fs, R942fs.
Identifiers: ClinVar variation 4815208 (VCV004815208.1).

ClinVar aggregate classification (germline): Likely pathogenic (1 of 4 stars; one submission).

Conditions:
Familial dysautonomia. Also called: HSAN III; FD. Identifiers: Orphanet 1764, MedGen C0013364, MONDO:0009131, OMIM 223900. Disease mechanism: loss of function.

Submission:

Natera, Inc.
Classification: Likely pathogenic for Familial dysautonomia. Last evaluated: 2025-06-23. Review status: criteria provided, single submitter. Criteria: Natera Variant Classification Schema (03/2026). Collection method: clinical testing. Allele origin: germline.
Comment: The c.2825delG variant in ELP1 is a frameshift variant predicted to shift the reading frame beginning at codon 942 and leads to a stop codon 21 codons downstream. This variant is expected to result in nonsense mediated decay, truncation, or a dysfunctional protein product. This variant is rare in the general population with a frequency below the threshold expected for the associated phenotype(s). Given the available evidence, this variant is classified as Likely Pathogenic.